The following is an entry in ClinVar:

ClinVar aggregate classification (germline): Uncertain significance (1 of 4 stars; one submission).

Conditions:
KRIT1-related disorder. Also called: KRIT1-related condition; KRIT1-related disorders.

Allele frequency attached by ClinVar (database versions not stated): gnomAD exomes below 0.00001.
gnomAD v4.1: 3 of 1,613,828 alleles (0.00019%); highest among the groups gnomAD compares: Middle Eastern, 0.017%; no homozygotes.

Submission:

PreventionGenetics, part of Exact Sciences
Classification: Uncertain significance for KRIT1-related condition. Last evaluated: 2023-05-02. Review status: criteria provided, single submitter. Criteria: ACMG Guidelines, 2015. Collection method: clinical testing. Allele origin: germline.
Comment: The KRIT1 c.721A>G variant is predicted to result in the amino acid substitution p.Thr241Ala. To our knowledge, this variant has not been reported in the literature. This variant is reported in 0.00088% of alleles in individuals of European (Non-Finnish) descent in gnomAD. At this time, the clinical significance of this variant is uncertain due to the absence of conclusive functional and genetic evidence.

NM_194454.3(KRIT1):c.721A>G (p.Thr241Ala)

Gene: KRIT1 (KRIT1 ankyrin repeat containing; minus strand). Cytogenetic location: 7q21.2.
Variant type: single nucleotide variant.
Coding change: c.721A>G on transcript NM_194454.3 (MANE Select); coding-DNA position 721, A replaced by G.
Protein change: p.Thr241Ala; replaces threonine 241 with alanine.
Molecular consequence: missense variant. On other transcripts: intron variant (1).
Genome position (GRCh38, 1-based): chr7:92,235,411, T>C on the plus strand (A>G on the coding strand, the complement: KRIT1 is on the minus strand). VCF-style: chr7-92235411-T-C. GRCh37 (hg19) VCF-style: chr7-91864725-T-C.
Other names: c.721A>G, p.Thr241Ala (NM_001013406.2, NM_001350669.1, NM_001350670.1 and 29 more transcripts); c.15+123A>G (NM_001350671.1); short protein forms T241A.
Identifiers: ClinVar variation 2633615 (VCV002633615.1), dbSNP rs1427444840, ClinGen allele CA368159347.